The following is an entry in ClinVar:

NM_005629.4(SLC6A8):c.1142-2A>G

Gene: SLC6A8 (solute carrier family 6 member 8; plus strand). Cytogenetic location: Xq28.
Variant type: single nucleotide variant.
Coding change: c.1142-2A>G on transcript NM_005629.4 (MANE Select); the canonical splice acceptor site of the intron before coding-DNA position 1142, A replaced by G.
Molecular consequence: splice acceptor variant.
Genome position (GRCh38, 1-based): chrX:153,693,903, A>G. VCF-style: chrX-153693903-A-G. GRCh37 (hg19) VCF-style: chrX-152959358-A-G.
Other names: NM_001142805.2:c.1112-2A>G; c.1112-2A>G (NM_001142805.2); c.797-2A>G (NM_001142806.1).
Identifiers: ClinVar variation 3256150 (VCV003256150.1).
Genomic context (GRCh38, chrX:153,693,903, plus strand): 5'-CTCAGGGTGCGCACAGGGCAGGACATCGGCTACAAGGTCTAGAGCCTGCACCTTTCCCAC[A>G]GGGCCGGGCCTGGCCTTCATCGCCTACCCGCGGGCTGTCACGCTGATGCCAGTGGCCCCA-3'

ClinVar aggregate classification (germline): Likely pathogenic (3 of 4 stars; one submission).

Conditions:
Creatine transporter deficiency (CCDS1). Also called: CEREBRAL CREATINE DEFICIENCY SYNDROME 1; Mental retardation , X-linked with seizures, short stature and midface hypoplasia; Mental retardation , X-linked, with creatine transport deficiency; X-linked creatine transporter deficiency; X-linked creatine deficiency syndrome; SLC6A8-Related Creatine Transporter Deficiency. Identifiers: Orphanet 52503, MedGen C1845862, MONDO:0010305, OMIM 300352.

Submission:

ClinGen Cerebral Creatine Deficiency Syndromes Variant Curation Expert Panel, ClinGen
Classification: Likely pathogenic for Creatine transporter deficiency. Last evaluated: 2024-06-13. Review status: reviewed by expert panel. Criteria: ClinGen_CCDS_ACMG_Specifications_SLC6A8_v1.1. Collection method: curation. Allele origin: germline. Inheritance: X-linked inheritance.
Comment: The NM_005629.4:c.1142-2A>G variant occurs within the canonical acceptor splice site of intron 7 and is predicted to result in skipping of exon 8 (113 bp) resulting in a frameshift leading to nonsense mediated decay in a gene in which loss-of-function is an established disease mechanism (PVS1). The variant is absent in gnomAD v2.1.1. (PM2_Supporting). This variant has been reported in an individual who is a participant in the Association for Creatine Deficiencies registry, CreatineINFO. Further clinical and laboratory details are not currently available. The classification of this variant has been upgraded from Variant of Uncertain Significance to Likely Pathogenic based on the recommendations of the ClinGen Sequence Variant Interpretation Working Group, that a variant meeting PVS1 and PM2_Supporting is classified as Likely Pathogenic. In summary, this variant meets the criteria to be classified as likely pathogenic for creatine transporter deficiency. SLC6A8-specific criteria applied, as specified by the ClinGen Cerebral Creatine Deficiency Syndromes Variant Curation Expert Panel (Specifications Version 1.1.0): PVS1, PM2_Supporting. (Classification approved by the ClinGen CCDS VCEP on June 13, 2024)